The following is an entry in ClinVar:

NM_004370.6(COL12A1):c.3326C>A (p.Pro1109His)

Gene: COL12A1 (collagen type XII alpha 1 chain; minus strand). Cytogenetic location: 6q13.
Variant type: single nucleotide variant.
Coding change: c.3326C>A on transcript NM_004370.6 (MANE Select); coding-DNA position 3326, C replaced by A.
Protein change: p.Pro1109His; replaces proline 1109 with histidine.
Molecular consequence: missense variant. On other transcripts: intron variant (2).
Genome position (GRCh38, 1-based): chr6:75,155,779, G>T on the plus strand (C>A on the coding strand, the complement: COL12A1 is on the minus strand). VCF-style: chr6-75155779-G-T. GRCh37 (hg19) VCF-style: chr6-75865495-G-T.
Other names: c.3326C>A, p.Pro1109His (NM_001424113.1, NM_001424114.1); c.3053C>A, p.Pro1018His (NM_001424115.1); c.74-3297C>A (NM_001424116.1, NM_080645.3); short protein forms P1018H, P1109H.
Identifiers: ClinVar variation 3763099 (VCV003763099.2).

ClinVar aggregate classification (germline): Uncertain significance (1 of 4 stars; one submission).

Conditions:
Ullrich congenital muscular dystrophy 2 (UCMD2). Identifiers: Orphanet 75840, MedGen C4225314, MONDO:0014654, OMIM 616470.
Bethlem myopathy 2 (BTHLM2). Identifiers: Orphanet 536516, Orphanet 610, MedGen C4225313, MONDO:0034022, OMIM 616471.

Submission:

Labcorp Genetics (formerly Invitae), Labcorp
Classification: Uncertain significance for Bethlem myopathy 2; Ullrich congenital muscular dystrophy 2. Last evaluated: 2024-09-03. Review status: criteria provided, single submitter. Criteria: Invitae Variant Classification Sherloc (09022015). Collection method: clinical testing. Allele origin: germline.
Comment: This sequence change replaces proline, which is neutral and non-polar, with histidine, which is basic and polar, at codon 1109 of the COL12A1 protein (p.Pro1109His). This variant is not present in population databases (gnomAD no frequency). This variant has not been reported in the literature in individuals affected with COL12A1-related conditions. Invitae Evidence Modeling of protein sequence and biophysical properties (such as structural, functional, and spatial information, amino acid conservation, physicochemical variation, residue mobility, and thermodynamic stability) indicates that this missense variant is not expected to disrupt COL12A1 protein function with a negative predictive value of 80%. In summary, the available evidence is currently insufficient to determine the role of this variant in disease. Therefore, it has been classified as a Variant of Uncertain Significance.